The following is an entry in ClinVar:

NM_000260.4(MYO7A):c.2593_2602del (p.Trp865fs)

Gene: MYO7A (myosin VIIA; plus strand). Cytogenetic location: 11q13.5.
Variant type: Deletion.
Coding change: c.2593_2602del on transcript NM_000260.4 (MANE Select); coding-DNA positions 2593 to 2602, 10 bases deleted (TGGCGCCTCG; older notation c.2593_2602delTGGCGCCTCG).
Protein change: p.Trp865fs; shifts the reading frame from tryptophan 865.
Molecular consequence: frameshift variant.
Genome position (GRCh38, 1-based): chr11:77,180,380-77,180,389, TGGCGCCTCG deleted; deleting any 10 consecutive bases within chr11:77,180,379-77,180,389 gives the same sequence; the c. name uses the placement nearest the transcript's 3' end. VCF-style (leftmost placement, unchanged base first): chr11-77180378-TGTGGCGCCTC-T. GRCh37 (hg19) VCF-style: chr11-76891424-TGTGGCGCCTC-T.
Other names: c.2593_2602del, p.Trp865fs (NM_001127180.2); c.2560_2569del, p.Trp854fs (NM_001369365.1); short protein forms W865fs, W854fs.
Identifiers: ClinVar variation 2014457 (VCV002014457.4), dbSNP rs2497185737, ClinGen allele CA2580084919.

ClinVar aggregate classification (germline): Pathogenic (1 of 4 stars; one submission).

Submission:

Labcorp Genetics (formerly Invitae), Labcorp
Classification: Pathogenic. Last evaluated: 2022-07-06. Review status: criteria provided, single submitter. Criteria: Invitae Variant Classification Sherloc (09022015). Collection method: clinical testing. Allele origin: germline.
Comment: For these reasons, this variant has been classified as Pathogenic. This variant has not been reported in the literature in individuals affected with MYO7A-related conditions. This variant is not present in population databases (gnomAD no frequency). This sequence change creates a premature translational stop signal (p.Trp865Argfs*17) in the MYO7A gene. It is expected to result in an absent or disrupted protein product. Loss-of-function variants in MYO7A are known to be pathogenic (PMID: 8900236, 25404053).

Literature cited by the submitters: PubMed 8900236; PubMed 25404053.